The following is an entry in ClinVar:

ClinVar aggregate classification (germline): Uncertain significance. Review status: criteria provided, multiple submitters, no conflicts (2 of 4 stars). 3 submissions from 3 submitters: Uncertain significance (3). Last evaluated 2025-03-18.

Conditions:
Inborn genetic diseases. Identifiers: MedGen C0950123, MeSH D030342.

Allele frequency attached by ClinVar (database versions not stated): ExAC 0.00004; TOPMed 0.00009; gnomAD 0.00011 and 0.00012.
gnomAD v4.1: 267 of 1,613,972 alleles (0.017%); highest among the groups gnomAD compares: Non-Finnish European, 0.022%; no homozygotes.

Submissions (3):

Ambry Genetics
Classification: Uncertain significance for Inborn genetic diseases. Last evaluated: 2025-03-18. Review status: criteria provided, single submitter. Criteria: Ambry Variant Classification Scheme 2023. Collection method: clinical testing. Allele origin: germline.

Labcorp Genetics (formerly Invitae), Labcorp
Classification: Uncertain significance. Last evaluated: 2025-01-13. Review status: criteria provided, single submitter. Criteria: Invitae Variant Classification Sherloc (09022015). Collection method: clinical testing. Allele origin: germline.
Comment: This sequence change replaces proline, which is neutral and non-polar, with histidine, which is basic and polar, at codon 923 of the ADAMTS18 protein (p.Pro923His). This variant is present in population databases (rs748668627, gnomAD 0.01%). This variant has not been reported in the literature in individuals affected with ADAMTS18-related conditions. ClinVar contains an entry for this variant (Variation ID: 1003582). An algorithm developed to predict the effect of missense changes on protein structure and function (PolyPhen-2) suggests that this variant¬†is likely to be tolerated. In summary, the available evidence is currently insufficient to determine the role of this variant in disease. Therefore, it has been classified as a Variant of Uncertain Significance.

Blueprint Genetics
Classification: Uncertain significance. Last evaluated: 2023-05-19. Review status: criteria provided, single submitter. Criteria: ACMG Guidelines, 2015. Collection method: clinical testing. Allele origin: germline.

NM_199355.4(ADAMTS18):c.2768C>A (p.Pro923His)

Gene: ADAMTS18 (ADAM metallopeptidase with thrombospondin type 1 motif 18; minus strand). Cytogenetic location: 16q23.1.
Variant type: single nucleotide variant.
Coding change: c.2768C>A on transcript NM_199355.4 (MANE Select); coding-DNA position 2768, C replaced by A.
Protein change: p.Pro923His; replaces proline 923 with histidine.
Molecular consequence: missense variant.
Genome position (GRCh38, 1-based): chr16:77,297,322, G>T on the plus strand (C>A on the coding strand, the complement: ADAMTS18 is on the minus strand). VCF-style: chr16-77297322-G-T. GRCh37 (hg19) VCF-style: chr16-77331219-G-T.
Other names: c.2768C>A (NM_199355.2); c.2252C>A, p.Pro751His (NM_001326358.2); short protein forms P751H, P923H.
Identifiers: ClinVar variation 1003582 (VCV001003582.8), dbSNP rs748668627, ClinGen allele CA8180754.